The following is an entry in ClinVar:

NM_000238.4(KCNH2):c.2612C>G (p.Ser871Cys)

Gene: KCNH2 (potassium voltage-gated channel subfamily H member 2; minus strand). Cytogenetic location: 7q36.1.
Variant type: single nucleotide variant.
Coding change: c.2612C>G on transcript NM_000238.4 (MANE Select); coding-DNA position 2612, C replaced by G.
Protein change: p.Ser871Cys; replaces serine 871 with cysteine.
Molecular consequence: missense variant.
Genome position (GRCh38, 1-based): chr7:150,948,524, G>C on the plus strand (C>G on the coding strand, the complement: KCNH2 is on the minus strand). VCF-style: chr7-150948524-G-C. GRCh37 (hg19) VCF-style: chr7-150645612-G-C.
Other names: c.1592C>G, p.Ser531Cys (NM_172057.3); short protein forms S871C, S531C.
Identifiers: ClinVar variation 921315 (VCV000921315.6), dbSNP rs1177213407, ClinGen allele CA369853887.

ClinVar aggregate classification (germline): Uncertain significance (1 of 4 stars; one submission).

Conditions:
Cardiac arrhythmia. Also called: Cardiac rhythm disease; Arrhythmia. Identifiers: MedGen C0003811, MONDO:0007263, HP:0011675.

gnomAD v4.1: 1 of 1,613,754 alleles (0.000062%); highest among the groups gnomAD compares: Non-Finnish European, 0.000085%; no homozygotes.

Submission:

Color Diagnostics, LLC DBA Color Health
Classification: Uncertain significance for Cardiac arrhythmia. Last evaluated: 2023-12-04. Review status: criteria provided, single submitter. Criteria: ACMG Guidelines, 2015. Collection method: clinical testing. Allele origin: germline.
Comment: This missense variant replaces serine with cysteine at codon 871 of the KCNH2 protein. Computational prediction suggests that this variant may have deleterious impact on protein structure and function (internally defined REVEL score threshold >= 0.7, PMID: 27666373). To our knowledge, functional studies have not been reported for this variant. This variant has not been reported in individuals affected with KCNH2-related disorders in the literature. This variant has not been identified in the general population by the Genome Aggregation Database (gnomAD). The available evidence is insufficient to determine the role of this variant in disease conclusively. Therefore, this variant is classified as a Variant of Uncertain Significance.